The following is an entry in ClinVar:

ClinVar aggregate classification (germline): Uncertain significance (1 of 4 stars; one submission).

Allele frequency attached by ClinVar (database versions not stated): TOPMed 0.00001.

Submission:

Labcorp Genetics (formerly Invitae), Labcorp
Classification: Uncertain significance. Last evaluated: 2024-10-15. Review status: criteria provided, single submitter. Criteria: Invitae Variant Classification Sherloc (09022015). Collection method: clinical testing. Allele origin: germline.
Comment: This sequence change falls in intron 15 of the STT3A gene. It does not directly change the encoded amino acid sequence of the STT3A protein. It affects a nucleotide within the consensus splice site. This variant is not present in population databases (gnomAD no frequency). This variant has not been reported in the literature in individuals affected with STT3A-related conditions. ClinVar contains an entry for this variant (Variation ID: 1025855). Variants that disrupt the consensus splice site are a relatively common cause of aberrant splicing (PMID: 17576681, 9536098). Algorithms developed to predict the effect of sequence changes on RNA splicing suggest that this variant is not likely to affect RNA splicing. In summary, the available evidence is currently insufficient to determine the role of this variant in disease. Therefore, it has been classified as a Variant of Uncertain Significance.

Literature cited by the submitters: PubMed 17576681; PubMed 9536098.

NM_152713.5(STT3A):c.1671+6A>C

Gene: STT3A (STT3 oligosaccharyltransferase complex catalytic subunit A; plus strand). Cytogenetic location: 11q24.2.
Variant type: single nucleotide variant.
Coding change: c.1671+6A>C on transcript NM_152713.5 (MANE Select); 6 bases into the intron after coding-DNA position 1671, A replaced by C.
Molecular consequence: intron variant.
Genome position (GRCh38, 1-based): chr11:125,614,209, A>C. VCF-style: chr11-125614209-A-C. GRCh37 (hg19) VCF-style: chr11-125484104-A-C.
Other names: c.1671+6A>C (NM_001278503.2); c.1395+6A>C (NM_001278504.2).
Identifiers: ClinVar variation 1025855 (VCV001025855.8), dbSNP rs1000994682, ClinGen allele CA230479756.
Genomic context (GRCh38, chr11:125,614,209, plus strand): 5'-AATTTTAGTGGACAATAACACATGGAATAATACCCATATTTCTCGAGTAGGGCAGGTAAG[A>C]TAAAGGGATGATCTTTGAGTGTTTGGTGTACAAGGTCTAATGGGAAATGTGTCTGCATGA-3'